The following is an entry in ClinVar:

ClinVar aggregate classification (germline): Uncertain significance (1 of 4 stars; one submission).

Allele frequency attached by ClinVar (database versions not stated): gnomAD exomes 0.00001; TOPMed 0.00001; ExAC 0.00005; gnomAD 0.00005; 1000 Genomes Project 30x 0.00031; 1000 Genomes Project 0.00040.
gnomAD v4.1: 27 of 1,613,526 alleles (0.0017%); highest among the groups gnomAD compares: East Asian, 0.054%; no homozygotes.

Submission:

Ambry Genetics
Classification: Uncertain significance. Last evaluated: 2023-01-27. Review status: criteria provided, single submitter. Criteria: Ambry Variant Classification Scheme 2023. Collection method: clinical testing. Allele origin: germline.
Comment: The p.N1838S variant (also known as c.5513A>G), located in coding exon 6 of the ALPK2 gene, results from an A to G substitution at nucleotide position 5513. The asparagine at codon 1838 is replaced by serine, an amino acid with highly similar properties. This amino acid position is conserved. In addition, this alteration is predicted to be tolerated by in silico analysis. Since supporting evidence is limited at this time, the clinical significance of this alteration remains unclear.

NM_052947.4(ALPK2):c.5513A>G (p.Asn1838Ser)

Gene: ALPK2 (alpha kinase 2; minus strand). Cytogenetic location: 18q21.31.
Variant type: single nucleotide variant.
Coding change: c.5513A>G on transcript NM_052947.4 (MANE Select); coding-DNA position 5513, A replaced by G.
Protein change: p.Asn1838Ser; replaces asparagine 1838 with serine.
Molecular consequence: missense variant.
Genome position (GRCh38, 1-based): chr18:58,524,051, T>C on the plus strand (A>G on the coding strand, the complement: ALPK2 is on the minus strand). VCF-style: chr18-58524051-T-C. GRCh37 (hg19) VCF-style: chr18-56191283-T-C.
Other names: short protein forms N1838S.
Identifiers: ClinVar variation 2450616 (VCV002450616.2), dbSNP rs544865950, ClinGen allele CA8976456.